The following is an entry in ClinVar:

ClinVar aggregate classification (germline): Uncertain significance (1 of 4 stars; one submission).

Conditions:
Combined oxidative phosphorylation defect type 14. Also called: Combined oxidative phosphorylation deficiency 14. Identifiers: Orphanet 319519, MedGen C4755312, MONDO:0013986, OMIM 614946.

Submission:

Labcorp Genetics (formerly Invitae), Labcorp
Classification: Uncertain significance for Combined oxidative phosphorylation defect type 14. Last evaluated: 2025-12-03. Review status: criteria provided, single submitter. Criteria: Invitae Variant Classification Sherloc (09022015). Collection method: clinical testing. Allele origin: germline.
Comment: This sequence change replaces glutamine, which is neutral and polar, with proline, which is neutral and non-polar, at codon 228 of the FARS2 protein (p.Gln228Pro). This variant is not present in population databases (gnomAD no frequency). This variant has not been reported in the literature in individuals affected with FARS2-related conditions. Invitae Evidence Modeling of protein sequence and biophysical properties (such as structural, functional, and spatial information, amino acid conservation, physicochemical variation, residue mobility, and thermodynamic stability) indicates that this missense variant is expected to disrupt FARS2 protein function with a positive predictive value of 95%. In summary, the available evidence is currently insufficient to determine the role of this variant in disease. Therefore, it has been classified as a Variant of Uncertain Significance.

NM_006567.5(FARS2):c.683A>C (p.Gln228Pro)

Gene: FARS2 (phenylalanyl-tRNA synthetase 2, mitochondrial; plus strand). Cytogenetic location: 6p25.1.
Variant type: single nucleotide variant.
Coding change: c.683A>C on transcript NM_006567.5 (MANE Select); coding-DNA position 683, A replaced by C.
Protein change: p.Gln228Pro; replaces glutamine 228 with proline.
Molecular consequence: missense variant. On other transcripts: 5 prime UTR variant (2).
Genome position (GRCh38, 1-based): chr6:5,404,612, A>C. VCF-style: chr6-5404612-A-C. GRCh37 (hg19) VCF-style: chr6-5404845-A-C.
Other names: c.683A>C, p.Gln228Pro (NM_001318872.2, NM_001374875.1, NM_001374876.1 and 5 more transcripts); c.-14A>C (NM_001375259.1, NM_001375260.1); short protein forms Q228P.
Identifiers: ClinVar variation 4801304 (VCV004801304.1).
Genomic context (GRCh38, chr6:5,404,612, plus strand): 5'-GTATAAAGGATGGAGAAAGCCTGCAGCTCTTTGAACAAAGTTCTCGCTCTGCGCATAAAC[A>C]AGAGACACACACCATGGAGGCCGTGAAGCTTGTAGAGTTTGATCTTAAGCAAACGCTTAC-3'
Protein context (NP_006558.1, residues 218-238): FEQSSRSAHK[Gln228Pro]ETHTMEAVKL